The following is an entry in ClinVar:

NM_001148.6(ANK2):c.5387_5389dup (p.Asp1796_Val1797insAsp)

Genes: ANK2 (ankyrin 2; plus strand), LOC126807136 (MED14-independent group 3 enhancer GRCh37_chr4:114274931-114276130; plus strand). Cytogenetic location: 4q26.
Variant type: Duplication.
Coding change: c.5387_5389dup on transcript NM_001148.6 (MANE Select); coding-DNA positions 5387 to 5389, 3 bases duplicated (ACG; older notation c.5387_5389dupACG).
Protein change: p.Asp1796_Val1797insAsp.
Molecular consequence: intron variant (on NM_001386186.2).
Genome position (GRCh38, 1-based): chr4:113,354,005-113,354,007, ACG duplicated; duplicating any 3 consecutive bases within chr4:113,354,004-113,354,007 gives the same sequence; the c. name uses the placement nearest the transcript's 3' end. VCF-style (leftmost placement, unchanged base first): chr4-113354003-G-GGAC. GRCh37 (hg19) VCF-style: chr4-114275159-G-GGAC.
Other names: c.5153_5155dup, p.Asp1718_Val1719insAsp (NM_001386142.1); c.1787_1789dup, p.Asp596_Val597insAsp (NM_001386166.1); c.5528_5530dup, p.Asp1843_Val1844insAsp (NM_001386174.1); c.5504_5506dup, p.Asp1835_Val1836insAsp (NM_001386175.1); c.4411+3756_4411+3758dup (NM_001386186.2, NM_001386148.2); c.4213+3756_4213+3758dup (NM_001354269.3); c.4291+3756_4291+3758dup (NM_001386187.2); c.4252+3756_4252+3758dup (NM_001386147.1); and 35 more.
Identifiers: ClinVar variation 3364932 (VCV003364932.1).

ClinVar aggregate classification (germline): Uncertain significance (1 of 4 stars; one submission).

Submission:

GeneDx
Classification: Uncertain significance. Last evaluated: 2023-12-01. Review status: criteria provided, single submitter. Criteria: GeneDx Variant Classification Process June 2021. Collection method: clinical testing. Allele origin: germline. Affected: yes.
Comment: In-frame insertion of 1 amino acid in a non-repeat region; In silico analysis supports that this variant does not alter protein structure/function; Has not been previously published as pathogenic or benign to our knowledge